The following is an entry in ClinVar:

NC_000023.10:g.(?_100652797)_(100662891_?)dup

Genes: RPL36A-HNRNPH2 (RPL36A-HNRNPH2 readthrough; plus strand), GLA (galactosidase alpha; minus strand). Cytogenetic location: Xq22.1.
Variant type: Duplication.
Identifiers: ClinVar variation 1409155 (VCV001409155.1).

ClinVar aggregate classification (germline): Uncertain significance (1 of 4 stars; one submission).

Conditions:
Fabry disease. Also called: Fabry's disease; ALPHA-GALACTOSIDASE A DEFICIENCY; ANDERSON-FABRY DISEASE; CERAMIDE TRIHEXOSIDASE DEFICIENCY; GLA DEFICIENCY; HEREDITARY DYSTOPIC LIPIDOSIS. Identifiers: Orphanet 324, MedGen C0002986, MONDO:0010526, OMIM 301500, HP:0001071. Disease mechanism: Fabry disease is due to inactivating mutations in the X-linked GLA gene resulting in deficiency of the enzyme Alpha Galactosidase-A., loss of function.

Submission:

Labcorp Genetics (formerly Invitae), Labcorp
Classification: Uncertain significance for Fabry disease. Last evaluated: 2021-06-30. Review status: criteria provided, single submitter. Criteria: Invitae Variant Classification Sherloc (09022015). Collection method: clinical testing. Allele origin: germline.
Comment: A copy number gain of the genomic region encompassing the full coding sequence of the GLA gene has been identified. The boundaries of this event are unknown as they extend beyond the assayed region for this gene and therefore may encompass additional genes. As the precise location of this event is unknown, it may be in tandem or it may be located elsewhere in the genome. This variant has not been reported in the literature in individuals affected with GLA-related conditions. In summary, the available evidence is currently insufficient to determine the role of this variant in disease. Therefore, it has been classified as a Variant of Uncertain Significance.